The following is an entry in ClinVar:

ClinVar aggregate classification (germline): Uncertain significance (1 of 4 stars; one submission).

Conditions:
Catecholaminergic polymorphic ventricular tachycardia (CVPT). Also called: Catecholamine-induced polymorphic ventricular tachycardia. Identifiers: Orphanet 3286, MedGen C5574922, MONDO:0017990.

gnomAD v4.1: 2 of 1,613,588 alleles (0.00012%); highest among the groups gnomAD compares: Non-Finnish European, 0.00017%; no homozygotes.

Submission:

All of Us Research Program, National Institutes of Health
Classification: Uncertain significance for Catecholaminergic polymorphic ventricular tachycardia. Last evaluated: 2023-10-06. Review status: criteria provided, single submitter. Criteria: ACMG Guidelines, 2015. Collection method: clinical testing. Allele origin: germline. Inheritance: Autosomal dominant inheritance. Observed: 1 variant allele, 1 heterozygote.
Comment: This missense variant replaces serine with asparagine at codon 653 of the RYR2 protein. Computational prediction is inconclusive regarding the impact of this variant on protein structure and function (internally defined REVEL score threshold 0.5 < inconclusive < 0.7, PMID: 27666373). To our knowledge, functional studies have not been reported for this variant. This variant has not been reported in individuals affected with RYR2-related disorders in the literature. This variant has not been identified in the general population by the Genome Aggregation Database (gnomAD). The available evidence is insufficient to determine the role of this variant in disease conclusively. Therefore, this variant is classified as a Variant of Uncertain Significance.

This study involves interpretation of variants in research participants for the purpose of population health screening. Participant phenotype was not available at the time of variant classification. Additional details can be found in publication PMID: 35346344, PMCID: PMC8962531

NM_001035.3(RYR2):c.1958G>A (p.Ser653Asn)

Gene: RYR2 (ryanodine receptor 2; plus strand). Cytogenetic location: 1q43.
Variant type: single nucleotide variant.
Coding change: c.1958G>A on transcript NM_001035.3 (MANE Select); coding-DNA position 1958, G replaced by A.
Protein change: p.Ser653Asn; replaces serine 653 with asparagine.
Molecular consequence: missense variant.
Genome position (GRCh38, 1-based): chr1:237,493,084, G>A. VCF-style: chr1-237493084-G-A. GRCh37 (hg19) VCF-style: chr1-237656384-G-A.
Other names: short protein forms S653N.
Identifiers: ClinVar variation 3073695 (VCV003073695.1), dbSNP rs2545803925, ClinGen allele CA345389922.